The following is an entry in ClinVar:

ClinVar aggregate classification (germline): Uncertain significance (1 of 4 stars; one submission).

Submission:

Athena Diagnostics
Classification: Uncertain significance. Last evaluated: 2024-10-24. Review status: criteria provided, single submitter. Criteria: Athena Diagnostics Criteria. Collection method: clinical testing. Allele origin: unknown.
Comment: Available data are insufficient to determine the clinical significance of the variant at this time. This variant has not been reported in large, multi-ethnic general populations. Polyphen and MutationTaster yielded discordant predictions regarding whether this amino acid change is damaging to the protein.

NM_015346.4(ZFYVE26):c.1799C>A (p.Ala600Asp)

Gene: ZFYVE26 (zinc finger FYVE-type containing 26; minus strand). Cytogenetic location: 14q24.1.
Variant type: single nucleotide variant.
Coding change: c.1799C>A on transcript NM_015346.4 (MANE Select); coding-DNA position 1799, C replaced by A.
Protein change: p.Ala600Asp; replaces alanine 600 with aspartic acid.
Molecular consequence: missense variant.
Genome position (GRCh38, 1-based): chr14:67,798,463, G>T on the plus strand (C>A on the coding strand, the complement: ZFYVE26 is on the minus strand). VCF-style: chr14-67798463-G-T. GRCh37 (hg19) VCF-style: chr14-68265180-G-T.
Other names: short protein forms A600D.
Identifiers: ClinVar variation 3571685 (VCV003571685.1).